The following is an entry in ClinVar:

ClinVar aggregate classification (germline): Benign/Likely benign. Review status: criteria provided, multiple submitters, no conflicts (2 of 4 stars). 6 submissions from 6 submitters: Benign (2); Likely benign (3). 1 of the submissions does not count toward it. Last evaluated 2026-05-12.

Conditions:
ANKRD11-related disorder. Also called: ANKRD11-related condition.
Inborn genetic diseases. Identifiers: MedGen C0950123, MeSH D030342.
KBG syndrome (KBGS). Also called: ANKRD11-Related KBG Syndrome. Identifiers: Orphanet 2332, MedGen C0220687, MONDO:0007846, OMIM 148050.

Allele frequency attached by ClinVar (database versions not stated): ESP Exome Variant Server 0.00008; gnomAD exomes 0.00009; gnomAD 0.00011; TOPMed 0.00012; ExAC 0.00014.
gnomAD v4.1: 155 of 1,612,998 alleles (0.0096%); highest among the groups gnomAD compares: Non-Finnish European, 0.0019%; 1 homozygote.

Submissions (6):

Women's Health and Genetics/Laboratory Corporation of America, LabCorp
Classification: Likely benign. Last evaluated: 2026-05-12. Review status: criteria provided, single submitter. Criteria: LabCorp Variant Classification Summary - May 2015. Collection method: clinical testing. Allele origin: germline.

Labcorp Genetics (formerly Invitae), Labcorp
Classification: Benign for KBG syndrome. Last evaluated: 2025-10-23. Review status: criteria provided, single submitter. Criteria: Invitae Variant Classification Sherloc (09022015). Collection method: clinical testing. Allele origin: germline.

CeGaT Center for Human Genetics Tuebingen
Classification: Likely benign. Last evaluated: 2025-02-01. Review status: criteria provided, single submitter. Criteria: CeGaT Center For Human Genetics Tuebingen Variant Classification Criteria Version 2. Collection method: clinical testing. Allele origin: germline. Affected: yes. Observed: 2 variant alleles.
Comment: ANKRD11: BP4, BS1

Blueprint Genetics
Classification: Likely benign. Last evaluated: 2023-03-15. Review status: criteria provided, single submitter. Criteria: ACMG Guidelines, 2015. Collection method: clinical testing. Allele origin: germline.

Ambry Genetics
Classification: Benign for Inborn genetic diseases. Last evaluated: 2018-11-28. Review status: criteria provided, single submitter. Criteria: Ambry Variant Classification Scheme 2023. Collection method: clinical testing. Allele origin: germline.

PreventionGenetics, part of Exact Sciences
Classification: Benign for ANKRD11-related condition. Last evaluated: 2019-08-16. Review status: no assertion criteria provided. Collection method: clinical testing. Allele origin: germline. Not counted in ClinVar's aggregate classification.
Comment: This variant is classified as benign based on ACMG/AMP sequence variant interpretation guidelines (Richards et al. 2015 PMID: 25741868, with internal and published modifications).

NM_013275.6(ANKRD11):c.6484C>T (p.Pro2162Ser)

Gene: ANKRD11 (ankyrin repeat domain 11; minus strand). Cytogenetic location: 16q24.3.
Variant type: single nucleotide variant.
Coding change: c.6484C>T on transcript NM_013275.6 (MANE Select); coding-DNA position 6484, C replaced by T.
Protein change: p.Pro2162Ser; replaces proline 2162 with serine.
Molecular consequence: missense variant.
Genome position (GRCh38, 1-based): chr16:89,280,058, G>A on the plus strand (C>T on the coding strand, the complement: ANKRD11 is on the minus strand). VCF-style: chr16-89280058-G-A. GRCh37 (hg19) VCF-style: chr16-89346466-G-A.
Other names: c.6484C>T (NM_013275.5); c.6484C>T, p.Pro2162Ser (NM_001256182.2, NM_001256183.2); short protein forms P2162S.
Identifiers: ClinVar variation 1753779 (VCV001753779.20), dbSNP rs202219869, ClinGen allele CA8241432.